The following is an entry in ClinVar:

ClinVar aggregate classification (germline): Uncertain significance (1 of 4 stars; one submission).

Conditions:
PCNT-related disorder. Also called: PCNT-related condition.

Submission:

PreventionGenetics, part of Exact Sciences
Classification: Uncertain significance for PCNT-related condition. Last evaluated: 2026-01-13. Review status: criteria provided, single submitter. Criteria: ACMG Guidelines, 2015. Collection method: clinical testing. Allele origin: germline.
Comment: The PCNT c.9119T>G variant is predicted to result in the amino acid substitution p.Leu3040Arg. To our knowledge, this variant has not been reported in the literature or in gnomAD, indicating this variant is rare. At this time, the clinical significance of this variant is uncertain due to the absence of conclusive functional and genetic evidence.

NM_006031.6(PCNT):c.9119T>G (p.Leu3040Arg)

Gene: PCNT (pericentrin; plus strand). Cytogenetic location: 21q22.3.
Variant type: single nucleotide variant.
Coding change: c.9119T>G on transcript NM_006031.6 (MANE Select); coding-DNA position 9119, T replaced by G.
Protein change: p.Leu3040Arg; replaces leucine 3040 with arginine.
Molecular consequence: missense variant.
Genome position (GRCh38, 1-based): chr21:46,438,183, T>G. VCF-style: chr21-46438183-T-G. GRCh37 (hg19) VCF-style: chr21-47858096-T-G.
Other names: c.8528T>G, p.Leu2843Arg (NM_001315529.2); short protein forms L2843R, L3040R.
Identifiers: ClinVar variation 4985436 (VCV004985436.1).
Genomic context (GRCh38, chr21:46,438,183, plus strand): 5'-TTAACAACAAATTCTTACAAATTTATTTTCTTTTCTCCAAGAAAAAAATGGCAGCAGAGC[T>G]GCAGTTCCAGTTTGTGGACGTCCTGCTGAAAGACAATGTTTCCCTCACAAAAGCGCTCAG-3'
Protein context (NP_006022.3, residues 3030-3050): TSSQKKMAAE[Leu3040Arg]QFQFVDVLLK